The following is an entry in ClinVar:

NM_000059.4(BRCA2):c.4904dup (p.Leu1635fs)

Gene: BRCA2 (BRCA2 DNA repair associated; plus strand). Cytogenetic location: 13q13.1.
Variant type: Duplication.
Coding change: c.4904dup on transcript NM_000059.4 (MANE Select); coding-DNA position 4904, one base duplicated (T; older notation c.4904dupT).
Protein change: p.Leu1635fs; shifts the reading frame from leucine 1635.
Molecular consequence: frameshift variant.
Genome position (GRCh38, 1-based): chr13:32,339,259, T duplicated; the last of 5 consecutive T bases (chr13:32,339,255-32,339,259); duplicating any one gives the same sequence. VCF-style (leftmost placement, unchanged base first): chr13-32339254-C-CT. GRCh37 (hg19) VCF-style: chr13-32913391-C-CT.
Other names: 5132insT; c.4904dupT (NM_000059.3); short protein forms L1635fs.
Identifiers: ClinVar variation 126055 (VCV000126055.11), dbSNP rs80359471, ClinGen allele CA020987.
Genomic context (GRCh38, chr13:32,339,254, plus strand): 5'-TAAGCTCTTAAGTGATAATTTATGTAGACAAACTGAAAATCTCAAAACATCAAAAAGTAT[C>CT]TTTTTGAAAGTTAAAGTACATGAAAATGTAGAAAAAGAAACAGCAAAAAGTCCTGCAACT-3'

ClinVar aggregate classification (germline): Pathogenic. Review status: reviewed by expert panel (3 of 4 stars). 5 submissions from 5 submitters: Pathogenic (1). 4 of the submissions do not count toward it. Last evaluated 2016-09-08.

Conditions:
Hereditary cancer-predisposing syndrome. Also called: Tumor predisposition; Hereditary Cancer Syndrome; Neoplastic Syndromes, Hereditary; Hereditary neoplastic syndrome. Identifiers: Orphanet 140162, MedGen C0027672, MeSH D009386, MONDO:0015356.
Hereditary breast ovarian cancer syndrome. Also called: Hereditary breast and ovarian cancer; Hereditary breast and/or ovarian cancer syndrome; BRCA1- and BRCA2-Associated Hereditary Breast and Ovarian Cancer; Hereditary breast and ovarian cancer syndrome; Hereditary breast and ovarian cancer syndrome (HBOC); Breast and ovarian cancer. Identifiers: Orphanet 145, MedGen C0677776, MeSH D061325, MONDO:0003582. Disease mechanism: loss of function.
Breast-ovarian cancer, familial, susceptibility to, 2 (BROVCA2). Also called: BRCA2 Hereditary Breast and Ovarian Cancer. Identifiers: Orphanet 145, MedGen C2675520, MONDO:0012933, OMIM 612555. Disease mechanism: loss of function.

Submissions (5):

Evidence-based Network for the Interpretation of Germline Mutant Alleles (ENIGMA)
Classification: Pathogenic for Breast-ovarian cancer, familial, susceptibility to, 2. Last evaluated: 2016-09-08. Review status: reviewed by expert panel. Criteria: ENIGMA BRCA1/2 Classification Criteria (2015). Collection method: curation. Allele origin: germline.
Comment: Variant allele predicted to encode a truncated non-functional protein.

Ambry Genetics
Classification: Pathogenic for Hereditary cancer-predisposing syndrome. Last evaluated: 2024-08-16. Review status: criteria provided, single submitter. Criteria: Ambry Variant Classification Scheme 2023. Collection method: clinical testing. Allele origin: germline. Not counted in ClinVar's aggregate classification.
Comment: The c.4904dupT pathogenic mutation, located in coding exon 10 of the BRCA2 gene, results from a duplication of T at nucleotide position 4904, causing a translational frameshift with a predicted alternate stop codon (p.L1635Ffs*4). This variant is considered to be rare based on population cohorts in the Genome Aggregation Database (gnomAD). This alteration is expected to result in loss of function by premature protein truncation or nonsense-mediated mRNA decay. As such, this alteration is interpreted as a disease-causing mutation.

Labcorp Genetics (formerly Invitae), Labcorp
Classification: Pathogenic for Hereditary breast ovarian cancer syndrome. Last evaluated: 2023-10-26. Review status: criteria provided, single submitter. Criteria: Invitae Variant Classification Sherloc (09022015). Collection method: clinical testing. Allele origin: germline. Not counted in ClinVar's aggregate classification.
Comment: This sequence change creates a premature translational stop signal (p.Leu1635Phefs*4) in the BRCA2 gene. It is expected to result in an absent or disrupted protein product. Loss-of-function variants in BRCA2 are known to be pathogenic (PMID: 20104584). This variant is not present in population databases (gnomAD no frequency). This variant has not been reported in the literature in individuals affected with BRCA2-related conditions. ClinVar contains an entry for this variant (Variation ID: 126055). For these reasons, this variant has been classified as Pathogenic.

Consortium of Investigators of Modifiers of BRCA1/2 (CIMBA), c/o University of Cambridge
Classification: Pathogenic for Breast-ovarian cancer, familial, susceptibility to, 2. Last evaluated: 2015-10-02. Review status: criteria provided, single submitter. Criteria: CIMBA Mutation Classification guidelines May 2016. Collection method: clinical testing. Allele origin: germline. Not counted in ClinVar's aggregate classification.

Breast Cancer Information Core (BIC) (BRCA2)
Classification: Pathogenic for Breast-ovarian cancer, familial 2. Last evaluated: 2003-12-23. Review status: no assertion criteria provided. Collection method: clinical testing. Allele origin: germline. Affected: yes. Observed: 1 variant allele. Not counted in ClinVar's aggregate classification.

Literature cited by the submitters: PubMed 20104584 (cited by Labcorp Genetics (formerly Invitae), Labcorp).